The following is an entry in ClinVar:

ClinVar aggregate classification (germline): Conflicting classifications of pathogenicity. Review status: criteria provided, conflicting classifications (1 of 4 stars). 10 submissions from 10 submitters: Uncertain significance (7); Likely benign (1). 2 of the submissions do not count toward it. Last evaluated 2026-02-02.

Conditions:
BBS12-related ciliopathy. Identifiers: MedGen CN378631, MONDO:1040045.
BBS12-related disorder. Also called: BBS12-related condition.
Bardet-Biedl syndrome (BBS). Identifiers: Orphanet 110, MedGen C0752166, MONDO:0015229.
Bardet-Biedl syndrome 12 (BBS12). Identifiers: Orphanet 110, MedGen C1859570, MONDO:0014440, OMIM 615989.

Allele frequency attached by ClinVar (database versions not stated): ESP Exome Variant Server 0.00015; 1000 Genomes Project 30x 0.00016; 1000 Genomes Project 0.00020; gnomAD 0.00022 and 0.00023; TOPMed 0.00025; gnomAD exomes 0.00027 and 0.00040; ExAC 0.00048.

Submissions (10):

Labcorp Genetics (formerly Invitae), Labcorp
Classification: Likely benign for Bardet-Biedl syndrome. Last evaluated: 2026-02-02. Review status: criteria provided, single submitter. Criteria: Invitae Variant Classification Sherloc (09022015). Collection method: clinical testing. Allele origin: germline.

Blueprint Genetics
Classification: Uncertain significance. Last evaluated: 2024-11-08. Review status: criteria provided, single submitter. Criteria: ACMG Guidelines, 2015. Collection method: clinical testing. Allele origin: germline.

CeGaT Center for Human Genetics Tuebingen
Classification: Uncertain significance. Last evaluated: 2024-04-01. Review status: criteria provided, single submitter. Criteria: CeGaT Center For Human Genetics Tuebingen Variant Classification Criteria Version 2. Collection method: clinical testing. Allele origin: germline. Affected: yes. Observed: 1 variant allele.
Comment: BBS12: PM2, BP4

Fulgent Genetics
Classification: Uncertain significance for Bardet-Biedl syndrome 12. Last evaluated: 2024-03-27. Review status: criteria provided, single submitter. Criteria: ACMG Guidelines, 2015. Collection method: clinical testing. Allele origin: germline.

GeneDx
Classification: Uncertain significance. Last evaluated: 2024-02-02. Review status: criteria provided, single submitter. Criteria: GeneDx Variant Classification Process June 2021. Collection method: clinical testing. Allele origin: germline. Affected: yes.
Comment: In silico analysis supports that this missense variant does not alter protein structure/function; Has not been previously published as pathogenic or benign to our knowledge

Genome-Nilou Lab
Classification: Uncertain significance for Bardet-Biedl syndrome 12. Last evaluated: 2021-07-14. Review status: criteria provided, single submitter. Criteria: ACMG Guidelines, 2015. Collection method: clinical testing. Allele origin: germline. Affected: no.

Department of Pathology and Laboratory Medicine, Sinai Health System
Classification: Uncertain significance for BBS12-related ciliopathy. Last evaluated: 2020-05-01. Review status: criteria provided, single submitter. Criteria: ACMG Guidelines, 2015. Collection method: research. Allele origin: germline.

Illumina Laboratory Services, Illumina
Classification: Uncertain significance for Bardet-Biedl syndrome 12. Last evaluated: 2018-01-12. Review status: criteria provided, single submitter. Criteria: ICSL Variant Classification Criteria 13 December 2019. Collection method: clinical testing. Allele origin: germline.

Natera, Inc.
Classification: Likely benign for Bardet-Biedl syndrome type 12. Last evaluated: 2020-05-31. Review status: no assertion criteria provided. Collection method: clinical testing. Allele origin: germline. Not counted in ClinVar's aggregate classification.

PreventionGenetics, part of Exact Sciences
Classification: Likely benign for BBS12-related condition. Last evaluated: 2020-03-02. Review status: no assertion criteria provided. Collection method: clinical testing. Allele origin: germline. Not counted in ClinVar's aggregate classification.
Comment: This variant is classified as likely benign based on ACMG/AMP sequence variant interpretation guidelines (Richards et al. 2015 PMID: 25741868, with internal and published modifications).

NM_152618.3(BBS12):c.1499T>C (p.Val500Ala)

Gene: BBS12 (Bardet-Biedl syndrome 12; plus strand). Cytogenetic location: 4q27.
Variant type: single nucleotide variant.
Coding change: c.1499T>C on transcript NM_152618.3 (MANE Select); coding-DNA position 1499, T replaced by C.
Protein change: p.Val500Ala; replaces valine 500 with alanine.
Molecular consequence: missense variant.
Genome position (GRCh38, 1-based): chr4:122,743,391, T>C. VCF-style: chr4-122743391-T-C. GRCh37 (hg19) VCF-style: chr4-123664546-T-C.
Other names: c.1499T>C, p.Val500Ala (NM_001178007.2); short protein forms V500A.
Identifiers: ClinVar variation 347503 (VCV000347503.43), dbSNP rs145392789, ClinGen allele CA3069461.